The following is an entry in ClinVar:

ClinVar aggregate classification (germline): Uncertain significance (1 of 4 stars; one submission).

Allele frequency attached by ClinVar (database versions not stated): gnomAD 0.00001 and 0.00003; TOPMed 0.00001; gnomAD exomes 0.00005; ExAC 0.00006.
gnomAD v4.1: 55 of 1,614,114 alleles (0.0034%); highest among the groups gnomAD compares: South Asian, 0.041%; 1 homozygote.

Submission:

Labcorp Genetics (formerly Invitae), Labcorp
Classification: Uncertain significance. Last evaluated: 2024-11-18. Review status: criteria provided, single submitter. Criteria: Invitae Variant Classification Sherloc (09022015). Collection method: clinical testing. Allele origin: germline.
Comment: This sequence change replaces alanine, which is neutral and non-polar, with threonine, which is neutral and polar, at codon 269 of the LOXL3 protein (p.Ala269Thr). This variant is present in population databases (rs770980565, gnomAD 0.03%). This variant has not been reported in the literature in individuals affected with LOXL3-related conditions. ClinVar contains an entry for this variant (Variation ID: 1414729). An algorithm developed to predict the effect of missense changes on protein structure and function outputs the following: PolyPhen-2: "Benign". The threonine amino acid residue is found in multiple mammalian species, which suggests that this missense change does not adversely affect protein function. In summary, the available evidence is currently insufficient to determine the role of this variant in disease. Therefore, it has been classified as a Variant of Uncertain Significance.

NM_032603.5(LOXL3):c.805G>A (p.Ala269Thr)

Gene: LOXL3 (lysyl oxidase like 3; minus strand). Cytogenetic location: 2p13.1.
Variant type: single nucleotide variant.
Coding change: c.805G>A on transcript NM_032603.5 (MANE Select); coding-DNA position 805, G replaced by A.
Protein change: p.Ala269Thr; replaces alanine 269 with threonine.
Molecular consequence: missense variant. On other transcripts: intron variant (2).
Genome position (GRCh38, 1-based): chr2:74,536,816, C>T on the plus strand (G>A on the coding strand, the complement: LOXL3 is on the minus strand). VCF-style: chr2-74536816-C-T. GRCh37 (hg19) VCF-style: chr2-74763943-C-T.
Other names: c.478-345G>A (NM_001289164.3); c.-171-345G>A (NM_001289165.2); short protein forms A269T.
Identifiers: ClinVar variation 1414729 (VCV001414729.8), dbSNP rs770980565, ClinGen allele CA1729081.
Genomic context (GRCh38, chr2:74,536,816, plus strand): 5'-CCGCGTAGACAGGGCCTGGCACACAGCTCACCACTGCAGGGCCCCCCCCAGGGCACCTGG[C>T]GGTGTCATTGGCACGATAGAACTCCAGGGAACAGAGGGAGAGGTGGGCCTCCGTGCCCAC-3'
Protein context (NP_115992.1, residues 259-279): SLEFYRANDT[Ala269Thr]RCPGGGPAVV